The following is an entry in ClinVar:

NM_001267550.2(TTN):c.95651C>T (p.Thr31884Ile)

Genes: TTN-AS1 (TTN antisense RNA 1; plus strand), TTN (titin; minus strand). Cytogenetic location: 2q31.2.
Variant type: single nucleotide variant.
Coding change: c.95651C>T on transcript NM_001267550.2 (MANE Select); coding-DNA position 95651, C replaced by T.
Protein change: p.Thr31884Ile; replaces threonine 31884 with isoleucine.
Molecular consequence: missense variant.
Genome position (GRCh38, 1-based): chr2:178,545,459, G>A on the plus strand (C>T on the coding strand, the complement: TTN is on the minus strand). VCF-style: chr2-178545459-G-A. GRCh37 (hg19) VCF-style: chr2-179410186-G-A.
Other names: c.90728C>T, p.Thr30243Ile (NM_001256850.1); c.68456C>T, p.Thr22819Ile (NM_003319.4); c.87947C>T, p.Thr29316Ile (NM_133378.4); c.68831C>T, p.Thr22944Ile (NM_133432.3); c.69032C>T, p.Thr23011Ile (NM_133437.4); short protein forms T22944I, T30243I, T22819I, T29316I, T31884I, T23011I.
Identifiers: ClinVar variation 1755751 (VCV001755751.2), dbSNP rs977811552, ClinGen allele CA60971101.

ClinVar aggregate classification (germline): Uncertain significance (1 of 4 stars; one submission).

Conditions:
Cardiovascular phenotype. Identifiers: MedGen CN230736.

Allele frequency attached by ClinVar (database versions not stated): gnomAD exomes 0.00001; TOPMed 0.00001.
gnomAD v4.1: 4 of 1,611,920 alleles (0.00025%); highest among the groups gnomAD compares: Admixed American, 0.005%; no homozygotes.

Submission:

Ambry Genetics
Classification: Uncertain significance for Cardiovascular phenotype. Last evaluated: 2020-01-29. Review status: criteria provided, single submitter. Criteria: Ambry Variant Classification Scheme 2023. Collection method: clinical testing. Allele origin: germline.
Comment: The p.T22819I variant (also known as c.68456C>T), located in coding exon 171 of the TTN gene, results from a C to T substitution at nucleotide position 68456. The threonine at codon 22819 is replaced by isoleucine, an amino acid with similar properties. This amino acid position is well conserved in available vertebrate species. In addition, this alteration is predicted to be tolerated by in silico analysis. Since supporting evidence is limited at this time, the clinical significance of this alteration remains unclear.